The following is an entry in ClinVar:

ClinVar aggregate classification (germline): Uncertain significance. Review status: criteria provided, multiple submitters, no conflicts (2 of 4 stars). 2 submissions from 2 submitters: Uncertain significance (2). Last evaluated 2025-01-31.

Conditions:
Hereditary nonpolyposis colorectal neoplasms. Identifiers: MedGen C0009405, MeSH D003123.
Hereditary cancer-predisposing syndrome. Also called: Neoplastic Syndromes, Hereditary; Tumor predisposition; Hereditary neoplastic syndrome; Hereditary Cancer Syndrome. Identifiers: Orphanet 140162, MedGen C0027672, MeSH D009386, MONDO:0015356.

Submissions (2):

Ambry Genetics
Classification: Uncertain significance for Hereditary cancer-predisposing syndrome. Last evaluated: 2025-01-31. Review status: criteria provided, single submitter. Criteria: Ambry Variant Classification Scheme 2023. Collection method: clinical testing. Allele origin: germline.
Comment: The p.T1344N variant (also known as c.4031C>A), located in coding exon 10 of the MSH6 gene, results from a C to A substitution at nucleotide position 4031. The threonine at codon 1344 is replaced by asparagine, an amino acid with similar properties. This alteration has been previously reported in a pancreatic cancer cohort and was identified in an individual with a sporadic pancreatic neuroendocrine tumor (Shindo K et al. J. Clin. Oncol. 2017 Oct;35(30):3382-3390). This amino acid position is not well conserved in available vertebrate species. In addition, the in silico prediction for this alteration is inconclusive. Based on the available evidence, the clinical significance of this variant remains unclear.

Labcorp Genetics (formerly Invitae), Labcorp
Classification: Uncertain significance for Hereditary nonpolyposis colorectal neoplasms. Last evaluated: 2023-07-17. Review status: criteria provided, single submitter. Criteria: Invitae Variant Classification Sherloc (09022015). Collection method: clinical testing. Allele origin: germline.
Comment: In summary, the available evidence is currently insufficient to determine the role of this variant in disease. Therefore, it has been classified as a Variant of Uncertain Significance. Advanced modeling of protein sequence and biophysical properties (such as structural, functional, and spatial information, amino acid conservation, physicochemical variation, residue mobility, and thermodynamic stability) performed at Invitae indicates that this missense variant is not expected to disrupt MSH6 protein function. ClinVar contains an entry for this variant (Variation ID: 824523). This missense change has been observed in individual(s) with pancreatic cancer (PMID: 28767289). This variant is not present in population databases (gnomAD no frequency). This sequence change replaces threonine, which is neutral and polar, with asparagine, which is neutral and polar, at codon 1344 of the MSH6 protein (p.Thr1344Asn).

Literature cited by the submitters: PubMed 28767289 (cited by Labcorp Genetics (formerly Invitae), Labcorp).

NM_000179.3(MSH6):c.4031C>A (p.Thr1344Asn)

Gene: MSH6 (mutS homolog 6; plus strand). Cytogenetic location: 2p16.3.
Variant type: single nucleotide variant.
Coding change: c.4031C>A on transcript NM_000179.3 (MANE Select); coding-DNA position 4031, C replaced by A.
Protein change: p.Thr1344Asn; replaces threonine 1344 with asparagine.
Molecular consequence: missense variant.
Genome position (GRCh38, 1-based): chr2:47,806,808, C>A. VCF-style: chr2-47806808-C-A. GRCh37 (hg19) VCF-style: chr2-48033947-C-A.
Other names: c.3641C>A, p.Thr1214Asn (NM_001281492.2); c.3125C>A, p.Thr1042Asn (NM_001281493.2, NM_001281494.2); short protein forms T1042N, T1344N, T1214N.
Identifiers: ClinVar variation 824523 (VCV000824523.15), dbSNP rs1572750070, ClinGen allele CA346761677.